The following is an entry in ClinVar:

NM_001370259.2(MEN1):c.403A>C (p.Lys135Gln)

Gene: MEN1 (menin 1; minus strand). Cytogenetic location: 11q13.1.
Variant type: single nucleotide variant.
Coding change: c.403A>C on transcript NM_001370259.2 (MANE Select); coding-DNA position 403, A replaced by C.
Protein change: p.Lys135Gln; replaces lysine 135 with glutamine.
Molecular consequence: missense variant.
Genome position (GRCh38, 1-based): chr11:64,809,707, T>G on the plus strand (A>C on the coding strand, the complement: MEN1 is on the minus strand). VCF-style: chr11-64809707-T-G. GRCh37 (hg19) VCF-style: chr11-64577179-T-G.
Other names: c.403A>C, p.Lys135Gln (NM_000244.4, NM_001370251.2, NM_001370260.2 and 9 more transcripts); short protein forms K135Q.
Identifiers: ClinVar variation 241813 (VCV000241813.8), dbSNP rs121913034, ClinGen allele CA10582944.

ClinVar aggregate classification (germline): Uncertain significance (1 of 4 stars; one submission).

Conditions:
Multiple endocrine neoplasia, type 1 (MEN1). Also called: MEN I; WERMER SYNDROME; Endocrine adenomatosis multiple; MEN 1; MEA I. Identifiers: Orphanet 652, MedGen C0025267, MeSH D018761, MONDO:0007540, OMIM 131100.

Submission:

Labcorp Genetics (formerly Invitae), Labcorp
Classification: Uncertain significance for Multiple endocrine neoplasia, type 1. Last evaluated: 2021-03-22. Review status: criteria provided, single submitter. Criteria: Invitae Variant Classification Sherloc (09022015). Collection method: clinical testing. Allele origin: germline.
Comment: Algorithms developed to predict the effect of missense changes on protein structure and function (SIFT, PolyPhen-2, Align-GVGD) all suggest that this variant is likely to be disruptive, but these predictions have not been confirmed by published functional studies. This variant is not present in population databases (ExAC no frequency) and has not been reported in the literature in individuals with a MEN1-related disease. This sequence change replaces lysine with glutamine at codon 135 of the MEN1 protein (p.Lys135Gln). The lysine residue is highly conserved and there is a small physicochemical difference between lysine and glutamine. In summary, this is a novel missense change with uncertain impact on protein function. It has been classified as a Variant of Uncertain Significance.